The following is an entry in ClinVar:

ClinVar aggregate classification (germline): Benign (3 of 4 stars; one submission).

Conditions:
Breast-ovarian cancer, familial, susceptibility to, 1 (BROVCA1). Also called: BRCA1 Hereditary Breast and Ovarian Cancer; OVARIAN CANCER, SUSCEPTIBILITY TO. Identifiers: Orphanet 145, MedGen C2676676, MONDO:0011450, OMIM 604370. Disease mechanism: loss of function.

Allele frequency attached by ClinVar (database versions not stated): gnomAD 0.00766 and 0.00823; 1000 Genomes Project 0.00839.
gnomAD v4.1: 1,142 of 150,816 alleles (0.76%); highest among the groups gnomAD compares: African/African-American, 2.6%; 14 homozygotes.

Submission:

Evidence-based Network for the Interpretation of Germline Mutant Alleles (ENIGMA)
Classification: Benign for Breast-ovarian cancer, familial 1. Last evaluated: 2015-01-12. Review status: reviewed by expert panel. Criteria: ENIGMA BRCA1/2 Classification Criteria (2015). Collection method: curation. Allele origin: germline.
Comment: Class 1 not pathogenic based on frequency >1% in an outbred sampleset. Frequency 0.03455 (African), derived from 1000 genomes (2012-04-30).

NM_007294.4(BRCA1):c.5194-1242T>G

Gene: BRCA1 (BRCA1 DNA repair associated; minus strand). Cytogenetic location: 17q21.31.
Variant type: single nucleotide variant.
Coding change: c.5194-1242T>G on transcript NM_007294.4 (MANE Select); 1242 bases into the intron before coding-DNA position 5194, T replaced by G.
Molecular consequence: intron variant.
Genome position (GRCh38, 1-based): chr17:43,058,377, A>C on the plus strand (T>G on the coding strand, the complement: BRCA1 is on the minus strand). VCF-style: chr17-43058377-A-C. GRCh37 (hg19) VCF-style: chr17-41210394-A-C.
Other names: IVS 19-1242T>G; c.5047-1242T>G (NM_001407843.1, NM_001407847.1, NM_001407841.1 and 12 more transcripts); c.1744-1242T>G (NM_001408456.1, NM_001408453.1, NM_001408455.1 and 3 more transcripts); c.5050-1242T>G (NM_001407733.1, NM_001407751.1, NM_001407740.1 and 21 more transcripts); c.5053-1242T>G (NM_001407942.1, NM_001407694.1, NM_001407696.1 and 13 more transcripts); c.1741-1242T>G (NM_001408465.1, NM_001408463.1, NM_001408462.1 and 7 more transcripts); c.1672-1242T>G (NM_001408482.1, NM_001408484.1, NM_001408485.1 and 5 more transcripts); c.4930-1242T>G (NM_001407920.1, NM_001407923.1, NM_001407922.1 and 4 more transcripts); and 73 more.
Identifiers: ClinVar variation 209295 (VCV000209295.2), dbSNP rs146318688, ClinGen allele CA276267.